The following is an entry in ClinVar:

NM_182833.3(GDPD4):c.1191dup (p.Ile398fs)

Gene: GDPD4 (glycerophosphodiester phosphodiesterase domain containing 4; minus strand). Cytogenetic location: 11q13.5.
Variant type: Duplication.
Coding change: c.1191dup on transcript NM_182833.3 (MANE Select); coding-DNA position 1191, one base duplicated (T; older notation c.1191dupT).
Protein change: p.Ile398fs; shifts the reading frame from isoleucine 398.
Molecular consequence: frameshift variant.
Genome position (GRCh38, 1-based): chr11:77,243,744, A duplicated on the plus strand (T on the coding strand, the reverse complement: GDPD4 is on the minus strand). VCF-style (leftmost placement, unchanged base first): chr11-77243743-T-TA. GRCh37 (hg19) VCF-style: chr11-76954788-T-TA.
Other names: short protein forms I398fs.
Identifiers: ClinVar variation 1277868 (VCV001277868.1), dbSNP rs34784710, ClinGen allele CA6199386.
Genomic context (GRCh38, chr11:77,243,743, plus strand): 5'-CAAACACTTACCTTAACCCATTAGGGAACAACTTCTTGTAGTCAACATTTATTATACTGA[T>TA]ATTGTTTTTAGCAAGGGTTTCAATGGATACTAAACGGCCCACATGCTGAAAACCAGGAGC-3'

ClinVar aggregate classification (germline): Benign (1 of 4 stars; one submission).

Allele frequency attached by ClinVar (database versions not stated): 1000 Genomes Project 30x 0.25078; 1000 Genomes Project 0.25399; TOPMed 0.25419; gnomAD 0.25688 and 0.26492; ESP Exome Variant Server 0.27081; gnomAD exomes 0.30747 and 0.34694; ExAC 0.31099.

Submission:

GeneDx
Classification: Benign. Last evaluated: 2019-10-16. Review status: criteria provided, single submitter. Criteria: GeneDx Variant Classification Process June 2021. Collection method: clinical testing. Allele origin: germline. Affected: yes.
Comment: This variant is associated with the following publications: (PMID: 27421018)